The following is an entry in ClinVar:

NM_014915.3(ANKRD26):c.2231dup (p.Asn744fs)

Gene: ANKRD26 (ankyrin repeat domain 26; minus strand). Cytogenetic location: 10p12.1.
Variant type: Duplication.
Coding change: c.2231dup on transcript NM_014915.3 (MANE Select); coding-DNA position 2231, one base duplicated (A; older notation c.2231dupA).
Protein change: p.Asn744fs; shifts the reading frame from asparagine 744.
Molecular consequence: frameshift variant.
Genome position (GRCh38, 1-based): chr10:27,040,109, T duplicated on the plus strand (A on the coding strand, the reverse complement: ANKRD26 is on the minus strand); the first of 8 consecutive T bases (chr10:27,040,109-27,040,116); duplicating any one gives the same sequence. VCF-style (leftmost placement, unchanged base first): chr10-27040108-A-AT. GRCh37 (hg19) VCF-style: chr10-27329037-A-AT.
Other names: c.2228dup, p.Asn743fs (NM_001256053.2); short protein forms N743fs, N744fs.
Identifiers: ClinVar variation 3709634 (VCV003709634.2).
Genomic context (GRCh38, chr10:27,040,108, plus strand): 5'-TTGTAGTACATTAACCTTGTCTTCCATTTTTTTAATTTTTACTGTAAGTAGTTCACAGTG[A>AT]TTTTTTTTAAGTTCTAATAATCTTTCACATGAAAGAGCTGCATCCTGGATTTTCAATAGG-3'

ClinVar aggregate classification (germline): Uncertain significance (1 of 4 stars; one submission).

Submission:

Labcorp Genetics (formerly Invitae), Labcorp
Classification: Uncertain significance. Last evaluated: 2025-02-11. Review status: criteria provided, single submitter. Criteria: Invitae Variant Classification Sherloc (09022015). Collection method: clinical testing. Allele origin: germline.
Comment: This sequence change creates a premature translational stop signal (p.Asn744Lysfs*4) in the ANKRD26 gene. It is expected to result in an absent or disrupted protein product. However, the current clinical and genetic evidence is not sufficient to establish whether loss-of-function variants in ANKRD26 cause disease. The frequency data for this variant in the population databases is considered unreliable, as metrics indicate poor data quality at this position in the gnomAD database. This variant has not been reported in the literature in individuals affected with ANKRD26-related conditions. Experimental studies and prediction algorithms are not available or were not evaluated, and the functional significance of this variant is currently unknown. Algorithms developed to predict the effect of sequence changes on RNA splicing suggest that this variant may disrupt the consensus splice site. In summary, the available evidence is currently insufficient to determine the role of this variant in disease. Therefore, it has been classified as a Variant of Uncertain Significance.